The following is an entry in ClinVar:

ClinVar aggregate classification (germline): Uncertain significance (1 of 4 stars; one submission).

gnomAD v4.1: 19 of 1,613,858 alleles (0.0012%); highest among the groups gnomAD compares: Admixed American, 0.005%; no homozygotes.

Submission:

Labcorp Genetics (formerly Invitae), Labcorp
Classification: Uncertain significance. Last evaluated: 2025-11-18. Review status: criteria provided, single submitter. Criteria: Invitae Variant Classification Sherloc (09022015). Collection method: clinical testing. Allele origin: germline.
Comment: This sequence change replaces arginine, which is basic and polar, with glutamine, which is neutral and polar, at codon 261 of the TRMT10C protein (p.Arg261Gln). This variant is present in population databases (no rsID available, gnomAD 0.01%). This variant has not been reported in the literature in individuals affected with TRMT10C-related conditions. Invitae Evidence Modeling of protein sequence and biophysical properties (such as structural, functional, and spatial information, amino acid conservation, physicochemical variation, residue mobility, and thermodynamic stability) indicates that this missense variant is not expected to disrupt TRMT10C protein function with a negative predictive value of 80%. In summary, the available evidence is currently insufficient to determine the role of this variant in disease. Therefore, it has been classified as a Variant of Uncertain Significance.

NM_017819.4(TRMT10C):c.782G>A (p.Arg261Gln)

Gene: TRMT10C (tRNA methyltransferase 10C, mitochondrial RNase P subunit; plus strand). Cytogenetic location: 3q12.3.
Variant type: single nucleotide variant.
Coding change: c.782G>A on transcript NM_017819.4 (MANE Select); coding-DNA position 782, G replaced by A.
Protein change: p.Arg261Gln; replaces arginine 261 with glutamine.
Molecular consequence: missense variant.
Genome position (GRCh38, 1-based): chr3:101,565,563, G>A. VCF-style: chr3-101565563-G-A. GRCh37 (hg19) VCF-style: chr3-101284407-G-A.
Other names: short protein forms R261Q.
Identifiers: ClinVar variation 4700028 (VCV004700028.1).